The following is an entry in ClinVar:

ClinVar aggregate classification (germline): Pathogenic. Review status: criteria provided, multiple submitters, no conflicts (2 of 4 stars). 2 submissions from 2 submitters: Pathogenic (2). Last evaluated 2024-09-05.

Conditions:
Deafness-lymphedema-leukemia syndrome. Also called: Emberger syndrome; Lymphedema, primary, with myelodysplasia. Identifiers: Orphanet 3226, MedGen C3279664, MONDO:0013540, OMIM 614038.
GATA2 deficiency with susceptibility to MDS/AML. Identifiers: MedGen CN300066, MONDO:0042982.

Submissions (2):

Johns Hopkins Genomics, Johns Hopkins University
Classification: Pathogenic for Deafness-lymphedema-leukemia syndrome. Last evaluated: 2024-09-05. Review status: criteria provided, single submitter. Criteria: ACMG Guidelines, 2015. Collection method: clinical testing. Allele origin: germline.
Comment: PS3, PM2, PP1_strong, PP4

Molecular Pathology Research Laboratory, SA Pathology
Classification: Pathogenic for GATA2 deficiency with susceptibility to MDS/AML; Deafness-lymphedema-leukemia syndrome. Last evaluated: 2021-07-06. Review status: criteria provided, single submitter. Criteria: ACMG Guidelines, 2015. Collection method: curation. Allele origin: germline. Inheritance: Autosomal dominant inheritance. Affected: yes. Observed: 15 variant alleles. Clinical features observed: Myelodysplasia, Acute Myeloid Leukemia, Immunodeficiency, Lymphedema, Hematological abnormality, Neurologic symptoms.
Comment: PS3_Very Strong, PS4, PM2, PP1_Strong, PP3

Literature cited by the submitters: PubMed 30030275 (cited by Johns Hopkins Genomics, Johns Hopkins University and Molecular Pathology Research Laboratory, SA Pathology); PubMed 32054657 (cited by Johns Hopkins Genomics, Johns Hopkins University); PubMed 32488879 (cited by Johns Hopkins Genomics, Johns Hopkins University and Molecular Pathology Research Laboratory, SA Pathology); PubMed 32555368 (cited by Johns Hopkins Genomics, Johns Hopkins University and Molecular Pathology Research Laboratory, SA Pathology); PubMed 34387894 (cited by Johns Hopkins Genomics, Johns Hopkins University); PubMed 38993648 (cited by Johns Hopkins Genomics, Johns Hopkins University).

NM_032638.5(GATA2):c.351C>G (p.Thr117=)

Gene: GATA2 (GATA binding protein 2; minus strand). Cytogenetic location: 3q21.3.
Variant type: single nucleotide variant.
Coding change: c.351C>G on transcript NM_032638.5 (MANE Select); coding-DNA position 351, C replaced by G.
Protein change: p.Thr117=; no amino-acid change (threonine 117 retained).
Molecular consequence: synonymous variant.
Genome position (GRCh38, 1-based): chr3:128,486,247, G>C on the plus strand (C>G on the coding strand, the complement: GATA2 is on the minus strand). VCF-style: chr3-128486247-G-C. GRCh37 (hg19) VCF-style: chr3-128205090-G-C.
Other names: c.351C>G, p.Thr117= (NM_001145661.2, NM_001145662.1); c.351C>G (NM_032638.4).
Identifiers: ClinVar variation 1184177 (VCV001184177.2), dbSNP rs2107672788, ClinGen allele CA435764049.
Genomic context (GRCh38, chr3:128,486,247, plus strand): 5'-TGGGCCTCCAGGGCCTCCAGCAGCTGAGGGGTGCAGTGGCGTCTTGGAGAAGGGGCTCAC[G>C]GTCCAGGGGTTGTGGTGGTGGGCCGCAGCGGCAGAGAGGGCTGCTTTGCCCCCGTCCAGC-3'
Protein context (NP_116027.2, residues 107-127): AAAAHHHNPW[Thr117=]VSPFSKTPLH